The following is an entry in ClinVar:

ClinVar aggregate classification (germline): Benign. Review status: reviewed by expert panel (3 of 4 stars). 2 submissions from 2 submitters: Benign (1). 1 of the submissions does not count toward it. Last evaluated 2015-01-12.

Conditions:
Breast-ovarian cancer, familial, susceptibility to, 2 (BROVCA2). Also called: BRCA2 Hereditary Breast and Ovarian Cancer. Identifiers: Orphanet 145, MedGen C2675520, MONDO:0012933, OMIM 612555. Disease mechanism: loss of function.

Allele frequency attached by ClinVar (database versions not stated): 1000 Genomes Project 0.15256; 1000 Genomes Project 30x 0.15475; gnomAD 0.16687 and 0.16923; TOPMed 0.16751.
gnomAD v4.1: 25,504 of 152,214 alleles (17%); highest among the groups gnomAD compares: Middle Eastern, 23%; 2,215 homozygotes.

Submissions (2):

Evidence-based Network for the Interpretation of Germline Mutant Alleles (ENIGMA)
Classification: Benign for Breast-ovarian cancer, familial 2. Last evaluated: 2015-01-12. Review status: reviewed by expert panel. Criteria: ENIGMA BRCA1/2 Classification Criteria (2015). Collection method: curation. Allele origin: germline.
Comment: Class 1 not pathogenic based on frequency >1% in an outbred sampleset. Frequency 0.1853 (Asian), 0.1382 (African), 0.1794 (European), derived from 1000 genomes (2012-04-30).

GeneDx
Classification: Benign. Last evaluated: 2019-06-14. Review status: criteria provided, single submitter. Criteria: GeneDx Variant Classification Process June 2021. Collection method: clinical testing. Allele origin: germline. Affected: yes. Not counted in ClinVar's aggregate classification.

NM_000059.4(BRCA2):c.67+1042A>G

Gene: BRCA2 (BRCA2 DNA repair associated; plus strand). Cytogenetic location: 13q13.1.
Variant type: single nucleotide variant.
Coding change: c.67+1042A>G on transcript NM_000059.4 (MANE Select); 1042 bases into the intron after coding-DNA position 67, A replaced by G.
Molecular consequence: intron variant.
Genome position (GRCh38, 1-based): chr13:32,317,569, A>G. VCF-style: chr13-32317569-A-G. GRCh37 (hg19) VCF-style: chr13-32891706-A-G.
Other names: IVS 2+1042A>G.
Identifiers: ClinVar variation 209607 (VCV000209607.3), dbSNP rs206120, ClinGen allele CA276576.
Genomic context (GRCh38, chr13:32,317,569, plus strand): 5'-TAGATTTTTCAAAGATCTAATAGATATACCATAGGTCTTTCCCATGTCGCAACATCATGC[A>G]GTGATTATTTGGAAGATAGTGGTGTTCTGAATTATACAAAGTTTCCAAATATTGATAAAT-3'